The following is an entry in ClinVar:

NM_000430.4(PAFAH1B1):c.973G>A (p.Val325Ile)

Gene: PAFAH1B1 (platelet activating factor acetylhydrolase 1b regulatory subunit 1; plus strand). Cytogenetic location: 17p13.3.
Variant type: single nucleotide variant.
Coding change: c.973G>A on transcript NM_000430.4 (MANE Select); coding-DNA position 973, G replaced by A.
Protein change: p.Val325Ile; replaces valine 325 with isoleucine.
Molecular consequence: missense variant.
Genome position (GRCh38, 1-based): chr17:2,676,577, G>A. VCF-style: chr17-2676577-G-A. GRCh37 (hg19) VCF-style: chr17-2579871-G-A.
Other names: short protein forms V325I.
Identifiers: ClinVar variation 1396347 (VCV001396347.9), dbSNP rs2151670017, ClinGen allele CA397642282.
Genomic context (GRCh38, chr17:2,676,577, plus strand): 5'-GGTAAACCTGGGCCATTCTTGCTGTCTGGATCCAGAGACAAGACTATTAAGATGTGGGAT[G>A]TCAGTACTGGCATGTGCCTTATGACCCTCGTAAGTTTGCATAATCTTACCATTTCTTTTG-3'
Protein context (NP_000421.1, residues 315-335): SRDKTIKMWD[Val325Ile]STGMCLMTLV

ClinVar aggregate classification (germline): Uncertain significance (1 of 4 stars; one submission).

Submission:

Labcorp Genetics (formerly Invitae), Labcorp
Classification: Uncertain significance. Last evaluated: 2022-03-19. Review status: criteria provided, single submitter. Criteria: Invitae Variant Classification Sherloc (09022015). Collection method: clinical testing. Allele origin: germline.
Comment: This sequence change replaces valine, which is neutral and non-polar, with isoleucine, which is neutral and non-polar, at codon 325 of the PAFAH1B1 protein (p.Val325Ile). In summary, the available evidence is currently insufficient to determine the role of this variant in disease. Therefore, it has been classified as a Variant of Uncertain Significance. Algorithms developed to predict the effect of missense changes on protein structure and function output the following: SIFT: "Tolerated"; PolyPhen-2: "Benign"; Align-GVGD: "Class C0". The isoleucine amino acid residue is found in multiple mammalian species, which suggests that this missense change does not adversely affect protein function. This variant has not been reported in the literature in individuals affected with PAFAH1B1-related conditions. This variant is not present in population databases (gnomAD no frequency).